The following is an entry in ClinVar:

ClinVar aggregate classification (germline): Uncertain significance (1 of 4 stars; one submission).

Conditions:
Dystonia 12 (DYT12). Also called: DYT-ATP1A3; Rapid-Onset Dystonia-Parkinsonism (RDP). Identifiers: Orphanet 71517, MedGen C1868681, MONDO:0007496, OMIM 128235.

Allele frequency attached by ClinVar (database versions not stated): gnomAD exomes below 0.00001; TOPMed below 0.00001; ExAC 0.00001; ESP Exome Variant Server 0.00008.

Submission:

Labcorp Genetics (formerly Invitae), Labcorp
Classification: Uncertain significance for Dystonia 12. Last evaluated: 2023-01-23. Review status: criteria provided, single submitter. Criteria: Invitae Variant Classification Sherloc (09022015). Collection method: clinical testing. Allele origin: germline.
Comment: In summary, the available evidence is currently insufficient to determine the role of this variant in disease. Therefore, it has been classified as a Variant of Uncertain Significance. Advanced modeling of protein sequence and biophysical properties (such as structural, functional, and spatial information, amino acid conservation, physicochemical variation, residue mobility, and thermodynamic stability) has been performed at Invitae for this missense variant, however the output from this modeling did not meet the statistical confidence thresholds required to predict the impact of this variant on ATP1A3 protein function. This variant has not been reported in the literature in individuals affected with ATP1A3-related conditions. This variant is not present in population databases (gnomAD no frequency). This sequence change replaces lysine, which is basic and polar, with arginine, which is basic and polar, at codon 184 of the ATP1A3 protein (p.Lys184Arg).

NM_152296.5(ATP1A3):c.551A>G (p.Lys184Arg)

Gene: ATP1A3 (ATPase Na+/K+ transporting subunit alpha 3; minus strand). Cytogenetic location: 19q13.2.
Variant type: single nucleotide variant.
Coding change: c.551A>G on transcript NM_152296.5 (MANE Select); coding-DNA position 551, A replaced by G.
Protein change: p.Lys184Arg; replaces lysine 184 with arginine.
Molecular consequence: missense variant.
Genome position (GRCh38, 1-based): chr19:41,985,919, T>C on the plus strand (A>G on the coding strand, the complement: ATP1A3 is on the minus strand). VCF-style: chr19-41985919-T-C. GRCh37 (hg19) VCF-style: chr19-42490071-T-C.
Other names: c.584A>G, p.Lys195Arg (NM_001256213.2); c.590A>G, p.Lys197Arg (NM_001256214.2); short protein forms K184R, K197R, K195R.
Identifiers: ClinVar variation 2754748 (VCV002754748.3), dbSNP rs372927309, ClinGen allele CA9467845.